The following is an entry in ClinVar:

ClinVar aggregate classification (germline): Conflicting classifications of pathogenicity. Review status: criteria provided, conflicting classifications (1 of 4 stars). 8 submissions from 8 submitters: Uncertain significance (2); Likely benign (5). 1 of the submissions does not count toward it. Last evaluated 2026-07-01.

Conditions:
Peroxisome biogenesis disorder 7A (Zellweger). Also called: Peroxisome biogenesis disorder 7A. Identifiers: Orphanet 912, MedGen C3888385, MONDO:0013938, OMIM 614872.
Peroxisome biogenesis disorder 7B (PBD7B). Identifiers: Orphanet 44, MedGen C3553951, MONDO:0013939, OMIM 614873.
PEX26-related disorder. Also called: PEX26-related condition.

Allele frequency attached by ClinVar (database versions not stated): 1000 Genomes Project 0.00060; 1000 Genomes Project 30x 0.00078; gnomAD exomes 0.00156 and 0.00189; TOPMed 0.00156; ExAC 0.00163; gnomAD 0.00170 and 0.00179; ESP Exome Variant Server 0.00231.

Submissions (8):

CeGaT Center for Human Genetics Tuebingen
Classification: Likely benign. Last evaluated: 2026-07-01. Review status: criteria provided, single submitter. Criteria: CeGaT Center For Human Genetics Tuebingen Variant Classification Criteria Version 2. Collection method: clinical testing. Allele origin: germline. Affected: yes. Observed: 9 variant alleles.
Comment: PEX26: BS1

Labcorp Genetics (formerly Invitae), Labcorp
Classification: Likely benign for Peroxisome biogenesis disorder 7A (Zellweger); Peroxisome biogenesis disorder 7B. Last evaluated: 2026-01-28. Review status: criteria provided, single submitter. Criteria: Invitae Variant Classification Sherloc (09022015). Collection method: clinical testing. Allele origin: germline.

Blueprint Genetics
Classification: Likely benign. Last evaluated: 2024-11-27. Review status: criteria provided, single submitter. Criteria: ACMG Guidelines, 2015. Collection method: clinical testing. Allele origin: germline.

Mayo Clinic Laboratories, Mayo Clinic
Classification: Uncertain significance. Last evaluated: 2022-07-26. Review status: criteria provided, single submitter. Criteria: ACMG Guidelines, 2015. Collection method: clinical testing. Allele origin: germline. Observed: 3 variant alleles.

GeneDx
Classification: Likely benign. Last evaluated: 2022-05-13. Review status: criteria provided, single submitter. Criteria: GeneDx Variant Classification Process June 2021. Collection method: clinical testing. Allele origin: germline. Affected: yes.
Comment: See Variant Classification Assertion Criteria.

Illumina Laboratory Services, Illumina
Classification: Uncertain significance for Peroxisome biogenesis disorder 7A (Zellweger). Last evaluated: 2018-01-13. Review status: criteria provided, single submitter. Criteria: ICSL Variant Classification Criteria 13 December 2019. Collection method: clinical testing. Allele origin: germline.

Eurofins Ntd Llc (ga)
Classification: Likely benign. Last evaluated: 2016-04-25. Review status: criteria provided, single submitter. Criteria: EGL Classification Definitions 2015. Collection method: clinical testing. Allele origin: germline. Observed: 1 variant allele, 1 heterozygote.

PreventionGenetics, part of Exact Sciences
Classification: Likely benign for PEX26-related condition. Last evaluated: 2022-02-27. Review status: no assertion criteria provided. Collection method: clinical testing. Allele origin: germline. Not counted in ClinVar's aggregate classification.
Comment: This variant is classified as likely benign based on ACMG/AMP sequence variant interpretation guidelines (Richards et al. 2015 PMID: 25741868, with internal and published modifications).

NM_001127649.3(PEX26):c.409G>C (p.Val137Leu)

Gene: PEX26 (peroxisomal biogenesis factor 26; plus strand). Cytogenetic location: 22q11.21.
Variant type: single nucleotide variant.
Coding change: c.409G>C on transcript NM_001127649.3 (MANE Select); coding-DNA position 409, G replaced by C.
Protein change: p.Val137Leu; replaces valine 137 with leucine.
Molecular consequence: missense variant.
Genome position (GRCh38, 1-based): chr22:18,083,474, G>C. VCF-style: chr22-18083474-G-C. GRCh37 (hg19) VCF-style: chr22-18566240-G-C.
Other names: p.Val137Leu; c.409G>C, p.Val137Leu (NM_001199319.2, NM_017929.6); short protein forms V137L.
Identifiers: ClinVar variation 287366 (VCV000287366.49), dbSNP rs142648687, ClinGen allele CA10093320.